The following is an entry in ClinVar:

ClinVar aggregate classification (germline): Uncertain significance. Review status: criteria provided, multiple submitters, no conflicts (2 of 4 stars). 3 submissions from 3 submitters: Uncertain significance (3). Last evaluated 2023-12-11.

Conditions:
Hereditary cancer-predisposing syndrome. Also called: Hereditary neoplastic syndrome; Tumor predisposition; Neoplastic Syndromes, Hereditary; Hereditary Cancer Syndrome. Identifiers: Orphanet 140162, MedGen C0027672, MeSH D009386, MONDO:0015356.
Gorlin syndrome. Also called: Nevoid Basal Cell Carcinoma Syndrome; Basal cell nevus syndrome. Identifiers: Orphanet 377, MedGen C0004779, MONDO:0007187.

Submissions (3):

Ambry Genetics
Classification: Uncertain significance for Hereditary cancer-predisposing syndrome. Last evaluated: 2023-12-11. Review status: criteria provided, single submitter. Criteria: Ambry Variant Classification Scheme 2023. Collection method: clinical testing. Allele origin: germline.
Comment: The p.L448F variant (also known as c.1342C>T), located in coding exon 9 of the PTCH1 gene, results from a C to T substitution at nucleotide position 1342. The leucine at codon 448 is replaced by phenylalanine, an amino acid with highly similar properties. This amino acid position is highly conserved in available vertebrate species. In addition, this alteration is predicted to be deleterious by in silico analysis. Since supporting evidence is limited at this time, the clinical significance of this alteration remains unclear.

Labcorp Genetics (formerly Invitae), Labcorp
Classification: Uncertain significance for Gorlin syndrome. Last evaluated: 2022-12-20. Review status: criteria provided, single submitter. Criteria: Invitae Variant Classification Sherloc (09022015). Collection method: clinical testing. Allele origin: germline.
Comment: This sequence change replaces leucine, which is neutral and non-polar, with phenylalanine, which is neutral and non-polar, at codon 448 of the PTCH1 protein (p.Leu448Phe). This variant is not present in population databases (gnomAD no frequency). This missense change has been observed in individual(s) with clinical features of basal cell nevus syndrome (PMID: 34194672). Advanced modeling of protein sequence and biophysical properties (such as structural, functional, and spatial information, amino acid conservation, physicochemical variation, residue mobility, and thermodynamic stability) performed at Invitae indicates that this missense variant is not expected to disrupt PTCH1 protein function. In summary, the available evidence is currently insufficient to determine the role of this variant in disease. Therefore, it has been classified as a Variant of Uncertain Significance.

GeneDx
Classification: Uncertain significance. Last evaluated: 2022-07-29. Review status: criteria provided, single submitter. Criteria: GeneDx Variant Classification Process June 2021. Collection method: clinical testing. Allele origin: germline. Affected: yes.
Comment: Not observed at significant frequency in large population cohorts (gnomAD); In silico analysis supports that this missense variant has a deleterious effect on protein structure/function; Observed in an individual with polydactyly (Zu et al., 2021); This variant is associated with the following publications: (PMID: 34194672)

Literature cited by the submitters: PubMed 34194672 (cited by Labcorp Genetics (formerly Invitae), Labcorp).

NM_000264.5(PTCH1):c.1342C>T (p.Leu448Phe)

Gene: PTCH1 (patched 1; minus strand). Cytogenetic location: 9q22.32.
Variant type: single nucleotide variant.
Coding change: c.1342C>T on transcript NM_000264.5 (MANE Select); coding-DNA position 1342, C replaced by T.
Protein change: p.Leu448Phe; replaces leucine 448 with phenylalanine.
Molecular consequence: missense variant. On other transcripts: non-coding transcript variant (1).
Genome position (GRCh38, 1-based): chr9:95,478,060, G>A on the plus strand (C>T on the coding strand, the complement: PTCH1 is on the minus strand). VCF-style: chr9-95478060-G-A. GRCh37 (hg19) VCF-style: chr9-98240342-G-A.
Other names: c.1144C>T, p.Leu382Phe (NM_001083602.3); c.1339C>T, p.Leu447Phe (NM_001083603.3); c.889C>T, p.Leu297Phe (NM_001083604.3, NM_001083605.3, NM_001083606.3 and 1 more transcripts); c.1342C>T, p.Leu448Phe (NM_001354918.2); short protein forms L297F, L382F, L447F, L448F.
Identifiers: ClinVar variation 2412874 (VCV002412874.5), dbSNP rs537871675, ClinGen allele CA374118709.